The following is an entry in ClinVar:

NM_003079.5(SMARCE1):c.705G>T (p.Met235Ile)

Gene: SMARCE1 (SWI/SNF related BAF chromatin remodeling complex subunit E1; minus strand). Cytogenetic location: 17q21.2.
Variant type: single nucleotide variant.
Coding change: c.705G>T on transcript NM_003079.5 (MANE Select); coding-DNA position 705, G replaced by T.
Protein change: p.Met235Ile; replaces methionine 235 with isoleucine.
Molecular consequence: missense variant.
Genome position (GRCh38, 1-based): chr17:40,632,204, C>A on the plus strand (G>T on the coding strand, the complement: SMARCE1 is on the minus strand). VCF-style: chr17-40632204-C-A. GRCh37 (hg19) VCF-style: chr17-38788456-C-A.
Other names: short protein forms M235I.
Identifiers: ClinVar variation 2819975 (VCV002819975.3), dbSNP rs2508598284, ClinGen allele CA399364551.
Genomic context (GRCh38, chr17:40,632,204, plus strand): 5'-GGATTTGTGGTATAGGCACATCTTATTGAAATGAATGTTTTATGACTTTACCTGATGAAC[C>A]ATTAAGGACTGGACCTGCCGTTTGAGGACCTGCATTCTAGCTGTTGTGACAACTGACCGA-3'
Protein context (NP_003070.3, residues 225-245): QVLKRQVQSL[Met235Ile]VHQRKLEAEL

ClinVar aggregate classification (germline): Uncertain significance (1 of 4 stars; one submission).

Conditions:
Familial meningioma. Also called: Meningioma, familial, susceptibility to. Identifiers: Orphanet 263662, MedGen C3551915, MONDO:0011789, OMIM 607174.

Submission:

Labcorp Genetics (formerly Invitae), Labcorp
Classification: Uncertain significance for Familial meningioma. Last evaluated: 2022-12-10. Review status: criteria provided, single submitter. Criteria: Invitae Variant Classification Sherloc (09022015). Collection method: clinical testing. Allele origin: germline.
Comment: This variant is not present in population databases (gnomAD no frequency). In summary, the available evidence is currently insufficient to determine the role of this variant in disease. Therefore, it has been classified as a Variant of Uncertain Significance. Advanced modeling of protein sequence and biophysical properties (such as structural, functional, and spatial information, amino acid conservation, physicochemical variation, residue mobility, and thermodynamic stability) performed at Invitae indicates that this missense variant is expected to disrupt SMARCE1 protein function. This variant has not been reported in the literature in individuals affected with SMARCE1-related conditions. This sequence change replaces methionine, which is neutral and non-polar, with isoleucine, which is neutral and non-polar, at codon 235 of the SMARCE1 protein (p.Met235Ile).